The following is an entry in ClinVar:

ClinVar aggregate classification (germline): Uncertain significance. Review status: criteria provided, multiple submitters, no conflicts (2 of 4 stars). 2 submissions from 2 submitters: Uncertain significance (2). Last evaluated 2025-08-02.

Conditions:
Neuroblastoma, susceptibility to, 3. Also called: ALK-Related Neuroblastic Tumor Susceptibility. Identifiers: Orphanet 635, MedGen C2751681, MONDO:0013083, OMIM 613014.
Hereditary cancer-predisposing syndrome. Also called: Neoplastic Syndromes, Hereditary; Hereditary neoplastic syndrome; Hereditary Cancer Syndrome; Tumor predisposition. Identifiers: Orphanet 140162, MedGen C0027672, MeSH D009386, MONDO:0015356.

Allele frequency attached by ClinVar (database versions not stated): TOPMed 0.00002.
gnomAD v4.1: 1 of 1,597,400 alleles (0.000063%); highest among the groups gnomAD compares: African/African-American, 0.0013%; no homozygotes.

Submissions (2):

Ambry Genetics
Classification: Uncertain significance for Hereditary cancer-predisposing syndrome. Last evaluated: 2025-08-02. Review status: criteria provided, single submitter. Criteria: Ambry Variant Classification Scheme 2023. Collection method: clinical testing. Allele origin: germline.
Comment: The p.V132M variant (also known as c.394G>A), located in coding exon 1 of the ALK gene, results from a G to A substitution at nucleotide position 394. The valine at codon 132 is replaced by methionine, an amino acid with highly similar properties. This amino acid position is conserved. In addition, this alteration is predicted to be tolerated by in silico analysis. Since supporting evidence is limited at this time, the clinical significance of this alteration remains unclear.

Labcorp Genetics (formerly Invitae), Labcorp
Classification: Uncertain significance for Neuroblastoma, susceptibility to, 3. Last evaluated: 2025-06-27. Review status: criteria provided, single submitter. Criteria: Invitae Variant Classification Sherloc (09022015). Collection method: clinical testing. Allele origin: germline.
Comment: This sequence change replaces valine, which is neutral and non-polar, with methionine, which is neutral and non-polar, at codon 132 of the ALK protein (p.Val132Met). This variant is not present in population databases (gnomAD no frequency). This variant has not been reported in the literature in individuals affected with ALK-related conditions. ClinVar contains an entry for this variant (Variation ID: 656593). An algorithm developed to predict the effect of missense changes on protein structure and function (PolyPhen-2) suggests that this variant is likely to be tolerated. In summary, the available evidence is currently insufficient to determine the role of this variant in disease. Therefore, it has been classified as a Variant of Uncertain Significance.

NM_004304.5(ALK):c.394G>A (p.Val132Met)

Gene: ALK (ALK receptor tyrosine kinase; minus strand). Cytogenetic location: 2p23.1.
Variant type: single nucleotide variant.
Coding change: c.394G>A on transcript NM_004304.5 (MANE Select); coding-DNA position 394, G replaced by A.
Protein change: p.Val132Met; replaces valine 132 with methionine.
Molecular consequence: missense variant.
Genome position (GRCh38, 1-based): chr2:29,920,266, C>T on the plus strand (G>A on the coding strand, the complement: ALK is on the minus strand). VCF-style: chr2-29920266-C-T. GRCh37 (hg19) VCF-style: chr2-30143132-C-T.
Other names: short protein forms V132M.
Identifiers: ClinVar variation 656593 (VCV000656593.13), dbSNP rs1262491330, ClinGen allele CA346590132.